The following is an entry in ClinVar:

NM_000051.4(ATM):c.902-3C>T

Gene: ATM (ATM serine/threonine kinase; plus strand). Cytogenetic location: 11q22.3.
Variant type: single nucleotide variant.
Coding change: c.902-3C>T on transcript NM_000051.4 (MANE Select); 3 bases into the intron before coding-DNA position 902, C replaced by T.
Molecular consequence: intron variant.
Genome position (GRCh38, 1-based): chr11:108,246,961, C>T. VCF-style: chr11-108246961-C-T. GRCh37 (hg19) VCF-style: chr11-108117688-C-T.
Other names: c.902-3C>T (NM_000051.3, NM_001351834.2).
Identifiers: ClinVar variation 1944892 (VCV001944892.3), dbSNP rs2135264506, ClinGen allele CA2580083739.

ClinVar aggregate classification (germline): Uncertain significance. Review status: criteria provided, multiple submitters, no conflicts (2 of 4 stars). 2 submissions from 2 submitters: Uncertain significance (2). Last evaluated 2024-10-08.

Conditions:
Ataxia-telangiectasia syndrome (AT). Also called: Ataxia-telangiectasia, complementation group D; AT, COMPLEMENTATION GROUP C; Ataxia-telangiectasia; Ataxia telangiectasia (A-T); Cerebello-oculocutaneous telangiectasia; Immunodeficiency with ataxia telangiectasia. Identifiers: Orphanet 100, MedGen C0004135, MONDO:0008840, OMIM 208900.
Hereditary cancer-predisposing syndrome. Also called: Neoplastic Syndromes, Hereditary; Hereditary neoplastic syndrome; Tumor predisposition; Hereditary Cancer Syndrome. Identifiers: Orphanet 140162, MedGen C0027672, MeSH D009386, MONDO:0015356.

Submissions (2):

Ambry Genetics
Classification: Uncertain significance for Hereditary cancer-predisposing syndrome. Last evaluated: 2024-10-08. Review status: criteria provided, single submitter. Criteria: Ambry Variant Classification Scheme 2023. Collection method: clinical testing. Allele origin: germline.
Comment: The c.902-3C>T intronic variant results from a C to T substitution 3 nucleotides upstream from coding exon 7 in the ATM gene. This nucleotide position is not well conserved in available vertebrate species. In silico splice site analysis predicts that this alteration will not have any significant effect on splicing. Based on the available evidence, the clinical significance of this variant remains unclear.

Labcorp Genetics (formerly Invitae), Labcorp
Classification: Uncertain significance for Ataxia-telangiectasia syndrome. Last evaluated: 2022-10-31. Review status: criteria provided, single submitter. Criteria: Invitae Variant Classification Sherloc (09022015). Collection method: clinical testing. Allele origin: germline.
Comment: This sequence change falls in intron 7 of the ATM gene. It does not directly change the encoded amino acid sequence of the ATM protein. It affects a nucleotide within the consensus splice site. This variant is not present in population databases (gnomAD no frequency). This variant has not been reported in the literature in individuals affected with ATM-related conditions. Variants that disrupt the consensus splice site are a relatively common cause of aberrant splicing (PMID: 17576681, 9536098). Algorithms developed to predict the effect of sequence changes on RNA splicing suggest that this variant is not likely to affect RNA splicing. In summary, the available evidence is currently insufficient to determine the role of this variant in disease. Therefore, it has been classified as a Variant of Uncertain Significance.

Literature cited by the submitters: PubMed 17576681 (cited by Labcorp Genetics (formerly Invitae), Labcorp); PubMed 9536098 (cited by Labcorp Genetics (formerly Invitae), Labcorp).